The following is an entry in ClinVar:

ClinVar aggregate classification (germline): Uncertain significance. Review status: criteria provided, multiple submitters, no conflicts (2 of 4 stars). 2 submissions from 2 submitters: Uncertain significance (2). Last evaluated 2024-09-10.

Allele frequency attached by ClinVar (database versions not stated): TOPMed below 0.00001; gnomAD 0.00001; gnomAD exomes 0.00003 and 0.00002; ESP Exome Variant Server 0.00008; ExAC 0.00002.

Submissions (2):

Blueprint Genetics
Classification: Uncertain significance. Last evaluated: 2024-09-10. Review status: criteria provided, single submitter. Criteria: ACMG Guidelines, 2015. Collection method: clinical testing. Allele origin: germline.

Labcorp Genetics (formerly Invitae), Labcorp
Classification: Uncertain significance. Last evaluated: 2022-04-28. Review status: criteria provided, single submitter. Criteria: Invitae Variant Classification Sherloc (09022015). Collection method: clinical testing. Allele origin: germline.
Comment: In summary, the available evidence is currently insufficient to determine the role of this variant in disease. Therefore, it has been classified as a Variant of Uncertain Significance. This sequence change replaces leucine, which is neutral and non-polar, with proline, which is neutral and non-polar, at codon 1171 of the PCARE protein (p.Leu1171Pro). This variant is present in population databases (rs368728259, gnomAD 0.005%). This variant has not been reported in the literature in individuals affected with PCARE-related conditions. ClinVar contains an entry for this variant (Variation ID: 1010187). Algorithms developed to predict the effect of missense changes on protein structure and function output the following: SIFT: "Deleterious"; PolyPhen-2: "Benign"; Align-GVGD: "Class C0". The proline amino acid residue is found in multiple mammalian species, which suggests that this missense change does not adversely affect protein function.

NM_001029883.3(PCARE):c.3512T>C (p.Leu1171Pro)

Gene: PCARE (photoreceptor cilium actin regulator; minus strand). Cytogenetic location: 2p23.2.
Variant type: single nucleotide variant.
Coding change: c.3512T>C on transcript NM_001029883.3 (MANE Select); coding-DNA position 3512, T replaced by C.
Protein change: p.Leu1171Pro; replaces leucine 1171 with proline.
Molecular consequence: missense variant.
Genome position (GRCh38, 1-based): chr2:29,070,750, A>G on the plus strand (T>C on the coding strand, the complement: PCARE is on the minus strand). VCF-style: chr2-29070750-A-G. GRCh37 (hg19) VCF-style: chr2-29293616-A-G.
Other names: short protein forms L1171P.
Identifiers: ClinVar variation 1010187 (VCV001010187.9), dbSNP rs368728259, ClinGen allele CA1591911.